The following is an entry in ClinVar:

NM_182914.3(SYNE2):c.6658G>A (p.Glu2220Lys)

Gene: SYNE2 (spectrin repeat containing nuclear envelope protein 2; plus strand). Cytogenetic location: 14q23.2.
Variant type: single nucleotide variant.
Coding change: c.6658G>A on transcript NM_182914.3 (MANE Select); coding-DNA position 6658, G replaced by A.
Protein change: p.Glu2220Lys; replaces glutamic acid 2220 with lysine.
Molecular consequence: missense variant.
Genome position (GRCh38, 1-based): chr14:64,027,737, G>A. VCF-style: chr14-64027737-G-A. GRCh37 (hg19) VCF-style: chr14-64494455-G-A.
Other names: c.6658G>A, p.Glu2220Lys (NM_015180.6); short protein forms E2220K.
Identifiers: ClinVar variation 2436890 (VCV002436890.6), dbSNP rs2548022948, ClinGen allele CA389949852.
Genomic context (GRCh38, chr14:64,027,737, plus strand): 5'-AAGGAGTTAAAATCTCAGGGAAACTACCTCTTGGAGTGCACTAAAAATCCCAGCTTCAGT[G>A]AAGAGCCTTGGCTGGAAATAAAGCATCTACACGAAAGTCTTCTTCAACAACTGCAGGTGA-3'
Protein context (NP_878918.2, residues 2210-2230): LECTKNPSFS[Glu2220Lys]EPWLEIKHLH

ClinVar aggregate classification (germline): Uncertain significance. Review status: criteria provided, multiple submitters, no conflicts (2 of 4 stars). 2 submissions from 2 submitters: Uncertain significance (2). Last evaluated 2023-02-08.

Conditions:
Emery-Dreifuss muscular dystrophy 5, autosomal dominant (EDMD5). Also called: EMERY-DREIFUSS MUSCULAR DYSTROPHY 5. Identifiers: Orphanet 261, MedGen C2751805, MONDO:0013072, OMIM 612999.

Submissions (2):

Labcorp Genetics (formerly Invitae), Labcorp
Classification: Uncertain significance for Emery-Dreifuss muscular dystrophy 5, autosomal dominant. Last evaluated: 2023-02-08. Review status: criteria provided, single submitter. Criteria: Invitae Variant Classification Sherloc (09022015). Collection method: clinical testing. Allele origin: germline.
Comment: In summary, the available evidence is currently insufficient to determine the role of this variant in disease. Therefore, it has been classified as a Variant of Uncertain Significance. Algorithms developed to predict the effect of missense changes on protein structure and function are either unavailable or do not agree on the potential impact of this missense change (SIFT: "Deleterious"; PolyPhen-2: "Possibly Damaging"; Align-GVGD: "Class C0"). This variant has not been reported in the literature in individuals affected with SYNE2-related conditions. This variant is not present in population databases (gnomAD no frequency). This sequence change replaces glutamic acid, which is acidic and polar, with lysine, which is basic and polar, at codon 2220 of the SYNE2 protein (p.Glu2220Lys).

Revvity Omics, Revvity
Classification: Uncertain significance for Emery-Dreifuss muscular dystrophy 5, autosomal dominant. Last evaluated: 2019-10-31. Review status: criteria provided, single submitter. Criteria: ACMG Guidelines, 2015. Collection method: clinical testing. Allele origin: germline.